The following is an entry in ClinVar:

ClinVar aggregate classification (germline): Uncertain significance (1 of 4 stars; one submission).

Allele frequency attached by ClinVar (database versions not stated): gnomAD exomes below 0.00001 and 0.00004; TOPMed below 0.00001.
gnomAD v4.1: 60 of 1,614,206 alleles (0.0037%); highest among the groups gnomAD compares: Non-Finnish European, 0.005%; no homozygotes.

Submission:

Labcorp Genetics (formerly Invitae), Labcorp
Classification: Uncertain significance. Last evaluated: 2023-08-17. Review status: criteria provided, single submitter. Criteria: Invitae Variant Classification Sherloc (09022015). Collection method: clinical testing. Allele origin: germline.
Comment: This variant is present in population databases (no rsID available, gnomAD 0.0009%). This sequence change replaces arginine, which is basic and polar, with glycine, which is neutral and non-polar, at codon 3112 of the CPLANE1 protein (p.Arg3112Gly). This variant has not been reported in the literature in individuals affected with CPLANE1-related conditions. ClinVar contains an entry for this variant (Variation ID: 1351292). Advanced modeling of protein sequence and biophysical properties (such as structural, functional, and spatial information, amino acid conservation, physicochemical variation, residue mobility, and thermodynamic stability) performed at Invitae indicates that this missense variant is not expected to disrupt CPLANE1 protein function. In summary, the available evidence is currently insufficient to determine the role of this variant in disease. Therefore, it has been classified as a Variant of Uncertain Significance.

NM_001384732.1(CPLANE1):c.9496A>G (p.Arg3166Gly)

Gene: CPLANE1 (ciliogenesis and planar polarity effector complex subunit 1; minus strand). Cytogenetic location: 5p13.2.
Variant type: single nucleotide variant.
Coding change: c.9496A>G on transcript NM_001384732.1 (MANE Select); coding-DNA position 9496, A replaced by G.
Protein change: p.Arg3166Gly; replaces arginine 3166 with glycine.
Molecular consequence: missense variant.
Genome position (GRCh38, 1-based): chr5:37,108,376, T>C on the plus strand (A>G on the coding strand, the complement: CPLANE1 is on the minus strand). VCF-style: chr5-37108376-T-C. GRCh37 (hg19) VCF-style: chr5-37108478-T-C.
Other names: c.9334A>G, p.Arg3112Gly (NM_023073.4); short protein forms R3112G, R3166G.
Identifiers: ClinVar variation 1351292 (VCV001351292.4), dbSNP rs1222002652, ClinGen allele CA359489869.